The following is an entry in ClinVar:

ClinVar aggregate classification (germline): Uncertain significance (1 of 4 stars; one submission).

Submission:

Labcorp Genetics (formerly Invitae), Labcorp
Classification: Uncertain significance. Last evaluated: 2024-12-02. Review status: criteria provided, single submitter. Criteria: Invitae Variant Classification Sherloc (09022015). Collection method: clinical testing. Allele origin: germline.
Comment: This sequence change creates a premature translational stop signal (p.Arg856Thrfs*42) in the AP3D1 gene. It is expected to result in an absent or disrupted protein product. However, the current clinical and genetic evidence is not sufficient to establish whether loss-of-function variants in AP3D1 cause disease. This variant is not present in population databases (gnomAD no frequency). This variant has not been reported in the literature in individuals affected with AP3D1-related conditions. In summary, the available evidence is currently insufficient to determine the role of this variant in disease. Therefore, it has been classified as a Variant of Uncertain Significance.

NM_001261826.3(AP3D1):c.2567_2570del (p.Arg856fs)

Gene: AP3D1 (adaptor related protein complex 3 subunit delta 1; minus strand). Cytogenetic location: 19p13.3.
Variant type: Microsatellite.
Coding change: c.2567_2570del on transcript NM_001261826.3 (MANE Select); coding-DNA positions 2567 to 2570, 4 bases deleted (GAGA; older notation c.2567_2570delGAGA).
Protein change: p.Arg856fs; shifts the reading frame from arginine 856.
Molecular consequence: frameshift variant.
Genome position (GRCh38, 1-based): chr19:2,114,156-2,114,159, TCTC deleted on the plus strand (GAGA on the coding strand, the reverse complement: AP3D1 is on the minus strand); deleting any 4 consecutive bases within chr19:2,114,156-2,114,164 gives the same sequence; the c. name uses the placement nearest the transcript's 3' end. VCF-style (leftmost placement, unchanged base first): chr19-2114155-GTCTC-G. GRCh37 (hg19) VCF-style: chr19-2114154-GTCTC-G.
Other names: c.2567_2570del, p.Arg856fs (NM_001374799.1, NM_003938.8); short protein forms R856fs.
Identifiers: ClinVar variation 1967527 (VCV001967527.5), dbSNP rs2512147328, ClinGen allele CA2580613019.